The following is an entry in ClinVar:

ClinVar aggregate classification (germline): Uncertain significance (1 of 4 stars; one submission).

Allele frequency attached by ClinVar (database versions not stated): ESP Exome Variant Server 0.00008.
gnomAD v4.1: 8 of 1,602,816 alleles (0.0005%); highest among the groups gnomAD compares: Middle Eastern, 0.017%; no homozygotes.

Submission:

Labcorp Genetics (formerly Invitae), Labcorp
Classification: Uncertain significance. Last evaluated: 2022-08-07. Review status: criteria provided, single submitter. Criteria: Invitae Variant Classification Sherloc (09022015). Collection method: clinical testing. Allele origin: germline.
Comment: This sequence change replaces glycine, which is neutral and non-polar, with cysteine, which is neutral and slightly polar, at codon 630 of the IFT81 protein (p.Gly630Cys). This variant is present in population databases (rs376352975, gnomAD 0.003%). This variant has not been reported in the literature in individuals affected with IFT81-related conditions. ClinVar contains an entry for this variant (Variation ID: 1390070). Algorithms developed to predict the effect of missense changes on protein structure and function are either unavailable or do not agree on the potential impact of this missense change (SIFT: "Deleterious"; PolyPhen-2: "Probably Damaging"; Align-GVGD: "Class C0"). In summary, the available evidence is currently insufficient to determine the role of this variant in disease. Therefore, it has been classified as a Variant of Uncertain Significance.

NM_014055.4(IFT81):c.1888G>T (p.Gly630Cys)

Gene: IFT81 (intraflagellar transport 81; plus strand). Cytogenetic location: 12q24.11.
Variant type: single nucleotide variant.
Coding change: c.1888G>T on transcript NM_014055.4 (MANE Select); coding-DNA position 1888, G replaced by T.
Protein change: p.Gly630Cys; replaces glycine 630 with cysteine.
Molecular consequence: missense variant. On other transcripts: non-coding transcript variant (4).
Genome position (GRCh38, 1-based): chr12:110,218,083, G>T. VCF-style: chr12-110218083-G-T. GRCh37 (hg19) VCF-style: chr12-110655888-G-T.
Other names: c.1888G>T, p.Gly630Cys (NM_001143779.2); c.958G>T, p.Gly320Cys (NM_001347947.2, NM_001347948.2); short protein forms G630C, G320C.
Identifiers: ClinVar variation 1390070 (VCV001390070.3), dbSNP rs376352975, ClinGen allele CA6783530.